The following is an entry in ClinVar:

NM_020297.4(ABCC9):c.573+19T>C

Gene: ABCC9 (ATP binding cassette subfamily C member 9; minus strand). Cytogenetic location: 12p12.1.
Variant type: single nucleotide variant.
Coding change: c.573+19T>C on transcript NM_020297.4 (MANE Select); 19 bases into the intron after coding-DNA position 573, T replaced by C.
Molecular consequence: intron variant.
Genome position (GRCh38, 1-based): chr12:21,916,918, A>G on the plus strand (T>C on the coding strand, the complement: ABCC9 is on the minus strand). VCF-style: chr12-21916918-A-G. GRCh37 (hg19) VCF-style: chr12-22069852-A-G.
Other names: c.-48-3852T>C (NM_001377274.1); c.573+19T>C (NM_005691.4, NM_001377273.1).
Identifiers: ClinVar variation 515690 (VCV000515690.7), dbSNP rs1555116939, ClinGen allele CA658797852.
Genomic context (GRCh38, chr12:21,916,918, plus strand): 5'-AATGATTTCTAGCTAACTGTAATCTTTCATATTGGGGTCTTGAATCCAAGTAACTAAACA[A>G]AAGCCATTAGCTACCTACCCTGACTCGAATGACATTGATCTCCACAGCCATCAAGAGCCC-3'

ClinVar aggregate classification (germline): Likely benign. Review status: criteria provided, multiple submitters, no conflicts (2 of 4 stars). 2 submissions from 2 submitters: Likely benign (2). Last evaluated 2025-02-26.

Conditions:
Dilated cardiomyopathy 1O (CMD1O). Also called: CARDIOMYOPATHY, DILATED, WITH VENTRICULAR TACHYCARDIA. Identifiers: Orphanet 154, MedGen C1837839, MONDO:0012062, OMIM 608569.

Allele frequency attached by ClinVar (database versions not stated): TOPMed below 0.00001; gnomAD 0.00001.

Submissions (2):

Labcorp Genetics (formerly Invitae), Labcorp
Classification: Likely benign for Dilated cardiomyopathy 1O. Last evaluated: 2025-02-26. Review status: criteria provided, single submitter. Criteria: Invitae Variant Classification Sherloc (09022015). Collection method: clinical testing. Allele origin: germline.

GeneDx
Classification: Likely benign. Last evaluated: 2018-02-22. Review status: criteria provided, single submitter. Criteria: GeneDx Variant Classification (06012015). Collection method: clinical testing. Allele origin: germline. Affected: yes.
Comment: This variant is considered likely benign or benign based on one or more of the following criteria: it is a conservative change, it occurs at a poorly conserved position in the protein, it is predicted to be benign by multiple in silico algorithms, and/or has population frequency not consistent with disease.